The following is an entry in ClinVar:

NM_002234.4(KCNA5):c.883G>T (p.Ala295Ser)

Gene: KCNA5 (potassium voltage-gated channel subfamily A member 5; plus strand). Cytogenetic location: 12p13.32.
Variant type: single nucleotide variant.
Coding change: c.883G>T on transcript NM_002234.4 (MANE Select); coding-DNA position 883, G replaced by T.
Protein change: p.Ala295Ser; replaces alanine 295 with serine.
Molecular consequence: missense variant.
Genome position (GRCh38, 1-based): chr12:5,045,030, G>T. VCF-style: chr12-5045030-G-T. GRCh37 (hg19) VCF-style: chr12-5154196-G-T.
Other names: c.883G>T (NM_002234.2); short protein forms A295S.
Identifiers: ClinVar variation 2016430 (VCV002016430.5), dbSNP rs2497479497, ClinGen allele CA383465350.

ClinVar aggregate classification (germline): Uncertain significance. Review status: criteria provided, multiple submitters, no conflicts (2 of 4 stars). 2 submissions from 2 submitters: Uncertain significance (2). Last evaluated 2025-02-01.

Conditions:
Atrial fibrillation, familial, 7 (ATFB7). Identifiers: MedGen C2677106, MONDO:0012828, OMIM 612240.

Submissions (2):

GeneDx
Classification: Uncertain significance. Last evaluated: 2025-02-01. Review status: criteria provided, single submitter. Criteria: GeneDx Variant Classification Process June 2021. Collection method: clinical testing. Allele origin: germline. Affected: yes.
Comment: Not observed at significant frequency in large population cohorts (gnomAD); In silico analysis indicates that this missense variant does not alter protein structure/function; Has not been previously published as pathogenic or benign to our knowledge

Labcorp Genetics (formerly Invitae), Labcorp
Classification: Uncertain significance for Atrial fibrillation, familial, 7. Last evaluated: 2022-07-13. Review status: criteria provided, single submitter. Criteria: Invitae Variant Classification Sherloc (09022015). Collection method: clinical testing. Allele origin: germline.
Comment: This sequence change replaces alanine, which is neutral and non-polar, with serine, which is neutral and polar, at codon 295 of the KCNA5 protein (p.Ala295Ser). This variant is not present in population databases (gnomAD no frequency). This variant has not been reported in the literature in individuals affected with KCNA5-related conditions. Algorithms developed to predict the effect of missense changes on protein structure and function output the following: SIFT: "Tolerated"; PolyPhen-2: "Benign"; Align-GVGD: "Class C0". The serine amino acid residue is found in multiple mammalian species, which suggests that this missense change does not adversely affect protein function. In summary, the available evidence is currently insufficient to determine the role of this variant in disease. Therefore, it has been classified as a Variant of Uncertain Significance.